The following is an entry in ClinVar:

NM_001384900.1(SEMA3D):c.121A>C (p.Asn41His)

Gene: SEMA3D (semaphorin 3D; minus strand). Cytogenetic location: 7q21.11.
Variant type: single nucleotide variant.
Coding change: c.121A>C on transcript NM_001384900.1 (MANE Select); coding-DNA position 121, A replaced by C.
Protein change: p.Asn41His; replaces asparagine 41 with histidine.
Molecular consequence: missense variant.
Genome position (GRCh38, 1-based): chr7:85,121,771, T>G on the plus strand (A>C on the coding strand, the complement: SEMA3D is on the minus strand). VCF-style: chr7-85121771-T-G. GRCh37 (hg19) VCF-style: chr7-84751087-T-G.
Other names: c.121A>C, p.Asn41His (NM_001384901.1, NM_001384902.1, NM_001384903.1 and 1 more transcripts); short protein forms N41H.
Identifiers: ClinVar variation 4984776 (VCV004984776.1).

ClinVar aggregate classification (germline): Uncertain significance (1 of 4 stars; one submission).

Conditions:
SEMA3D-related disorder. Also called: SEMA3D-related condition.

Submission:

PreventionGenetics, part of Exact Sciences
Classification: Uncertain significance for SEMA3D-related condition. Last evaluated: 2026-03-10. Review status: criteria provided, single submitter. Criteria: ACMG Guidelines, 2015. Collection method: clinical testing. Allele origin: germline.
Comment: The SEMA3D c.121A>C variant is predicted to result in the amino acid substitution p.Asn41His. To our knowledge, this variant has not been reported in the literature or in a large population database (gnomAD), indicating this variant is rare. At this time, the clinical significance of this variant is uncertain due to the absence of conclusive functional and genetic evidence.